The following is an entry in ClinVar:

ClinVar aggregate classification (germline): Uncertain significance. Review status: criteria provided, multiple submitters, no conflicts (2 of 4 stars). 4 submissions from 4 submitters: Uncertain significance (4). Last evaluated 2025-03-28.

Conditions:
Alport syndrome 3b, autosomal recessive. Identifiers: MedGen C5882699, MONDO:0957811, OMIM 620536.
Autosomal dominant Alport syndrome (ATS3A). Also called: Alport syndrome dominant type; Renal failure and sensorineural hearing loss; ALPORT SYNDROME 3A, AUTOSOMAL DOMINANT. Identifiers: Orphanet 63, Orphanet 88918, MedGen C5882663, MONDO:0007086, OMIM 104200.
Hematuria, benign familial, 2 (BFH2). Identifiers: MedGen C5830421, MONDO:0958186, OMIM 620320.

Allele frequency attached by ClinVar (database versions not stated): gnomAD 0.00001; TOPMed 0.00001.
gnomAD v4.1: 22 of 1,613,526 alleles (0.0014%); highest among the groups gnomAD compares: South Asian, 0.0022%; no homozygotes.

Submissions (4):

GeneDx
Classification: Uncertain significance. Last evaluated: 2025-03-28. Review status: criteria provided, single submitter. Criteria: GeneDx Variant Classification Process June 2021. Collection method: clinical testing. Allele origin: germline. Affected: yes.
Comment: Not observed at significant frequency in large population cohorts (gnomAD); Occurs in the triple helical domain at the Y position in the canonical Gly-X-Y repeat; although this variant may have an effect on normal protein folding and function, missense substitution at the Y position is not a common mechanism of disease; In silico analysis indicates that this missense variant does not alter protein structure/function; This variant is associated with the following publications: (PMID: 37078890, 35419377)

Labcorp Genetics (formerly Invitae), Labcorp
Classification: Uncertain significance. Last evaluated: 2024-10-31. Review status: criteria provided, single submitter. Criteria: Invitae Variant Classification Sherloc (09022015). Collection method: clinical testing. Allele origin: germline.
Comment: This sequence change replaces arginine, which is basic and polar, with cysteine, which is neutral and slightly polar, at codon 341 of the COL4A3 protein (p.Arg341Cys). This variant is present in population databases (no rsID available, gnomAD 0.0009%). This variant has not been reported in the literature in individuals affected with COL4A3-related conditions. ClinVar contains an entry for this variant (Variation ID: 1341999). Invitae Evidence Modeling of protein sequence and biophysical properties (such as structural, functional, and spatial information, amino acid conservation, physicochemical variation, residue mobility, and thermodynamic stability) has been performed for this missense variant. However, the output from this modeling did not meet the statistical confidence thresholds required to predict the impact of this variant on COL4A3 protein function. Algorithms developed to predict the effect of sequence changes on RNA splicing suggest that this variant may disrupt the consensus splice site. In summary, the available evidence is currently insufficient to determine the role of this variant in disease. Therefore, it has been classified as a Variant of Uncertain Significance.

Fulgent Genetics
Classification: Uncertain significance for Autosomal dominant Alport syndrome; Hematuria, benign familial, 2; Alport syndrome 3b, autosomal recessive. Last evaluated: 2024-06-21. Review status: criteria provided, single submitter. Criteria: ACMG Guidelines, 2015. Collection method: clinical testing. Allele origin: germline.

CENTOGENE GmbH and LLC - Guiding Precision Medicine
Classification: Uncertain significance for Autosomal dominant Alport syndrome. Last evaluated: 2022-02-21. Review status: criteria provided, single submitter. Criteria: ACMG Guidelines, 2015. Collection method: clinical testing. Allele origin: germline. Affected: yes.

NM_000091.5(COL4A3):c.1021C>T (p.Arg341Cys)

Genes: MFF-DT (MFF divergent transcript; minus strand), COL4A3 (collagen type IV alpha 3 chain; plus strand). Cytogenetic location: 2q36.3.
Variant type: single nucleotide variant.
Coding change: c.1021C>T on transcript NM_000091.5 (MANE Select); coding-DNA position 1021, C replaced by T.
Protein change: p.Arg341Cys; replaces arginine 341 with cysteine.
Molecular consequence: missense variant.
Genome position (GRCh38, 1-based): chr2:227,257,636, C>T. VCF-style: chr2-227257636-C-T. GRCh37 (hg19) VCF-style: chr2-228122352-C-T.
Other names: c.1021C>T (NM_000091.4); short protein forms R341C.
Identifiers: ClinVar variation 1341999 (VCV001341999.6), dbSNP rs778166354, ClinGen allele CA350867584.
Genomic context (GRCh38, chr2:227,257,636, plus strand): 5'-ACAATTTGTAAATGTCTTTCACTGTAGGGACAGAAAGGGGACATTGGCCCTCCAGGATTT[C>T]GTGGTCCAGTAAGTGTGATTAAAGACAATATCAATGCTATGTTTGATCAAGTTCTTTAAA-3'
Protein context (NP_000082.2, residues 331-351): QKGDIGPPGF[Arg341Cys]GPTEYYDTYQ